The following is an entry in ClinVar:

ClinVar aggregate classification (germline): Uncertain significance (1 of 4 stars; one submission).

Submission:

Labcorp Genetics (formerly Invitae), Labcorp
Classification: Uncertain significance. Last evaluated: 2022-02-15. Review status: criteria provided, single submitter. Criteria: Invitae Variant Classification Sherloc (09022015). Collection method: clinical testing. Allele origin: germline.
Comment: This sequence change falls in intron 6 of the MSH3 gene. It does not directly change the encoded amino acid sequence of the MSH3 protein. It affects a nucleotide within the consensus splice site. This variant is not present in population databases (gnomAD no frequency). This variant has not been reported in the literature in individuals affected with MSH3-related conditions. ClinVar contains an entry for this variant (Variation ID: 944452). Variants that disrupt the consensus splice site are a relatively common cause of aberrant splicing (PMID: 17576681, 9536098). In summary, the available evidence is currently insufficient to determine the role of this variant in disease. Therefore, it has been classified as a Variant of Uncertain Significance.

Literature cited by the submitters: PubMed 17576681; PubMed 9536098.

NM_002439.5(MSH3):c.1027+1A>T

Genes: MSH3 (mutS homolog 3; plus strand), LOC126807437 (MED14-independent group 3 enhancer GRCh37_chr5:79968379-79969578; plus strand). Cytogenetic location: 5q14.1.
Variant type: single nucleotide variant.
Coding change: c.1027+1A>T on transcript NM_002439.5 (MANE Select); the canonical splice donor site of the intron after coding-DNA position 1027, A replaced by T.
Molecular consequence: splice donor variant.
Genome position (GRCh38, 1-based): chr5:80,672,859, A>T. VCF-style: chr5-80672859-A-T. GRCh37 (hg19) VCF-style: chr5-79968678-A-T.
Identifiers: ClinVar variation 944452 (VCV000944452.8), dbSNP rs1580552363, ClinGen allele CA360267567.